The following is an entry in ClinVar:

NM_001364905.1(LRBA):c.1856A>G (p.His619Arg)

Gene: LRBA (LPS responsive beige-like anchor protein; minus strand). Cytogenetic location: 4q31.3.
Variant type: single nucleotide variant.
Coding change: c.1856A>G on transcript NM_001364905.1 (MANE Select); coding-DNA position 1856, A replaced by G.
Protein change: p.His619Arg; replaces histidine 619 with arginine.
Molecular consequence: missense variant.
Genome position (GRCh38, 1-based): chr4:150,900,117, T>C on the plus strand (A>G on the coding strand, the complement: LRBA is on the minus strand). VCF-style: chr4-150900117-T-C. GRCh37 (hg19) VCF-style: chr4-151821269-T-C.
Other names: c.1856A>G, p.His619Arg (NM_001199282.3, NM_001367550.1, NM_006726.5); short protein forms H619R.
Identifiers: ClinVar variation 1481433 (VCV001481433.9), dbSNP rs555801414, ClinGen allele CA3103459.

ClinVar aggregate classification (germline): Uncertain significance. Review status: criteria provided, multiple submitters, no conflicts (2 of 4 stars). 2 submissions from 2 submitters: Uncertain significance (2). Last evaluated 2023-11-01.

Conditions:
Combined immunodeficiency due to LRBA deficiency. Also called: Common variable immunodeficiency 8, with autoimmunity. Identifiers: Orphanet 445018, MedGen C3553512, MONDO:0013863, OMIM 614700.

Allele frequency attached by ClinVar (database versions not stated): gnomAD exomes below 0.00001; ExAC 0.00001; gnomAD 0.00001; 1000 Genomes Project 30x 0.00016; 1000 Genomes Project 0.00020.
gnomAD v4.1: 7 of 1,613,474 alleles (0.00043%); highest among the groups gnomAD compares: African/African-American, 0.0027%; no homozygotes.

Submissions (2):

Blueprint Genetics
Classification: Uncertain significance. Last evaluated: 2023-11-01. Review status: criteria provided, single submitter. Criteria: ACMG Guidelines, 2015. Collection method: clinical testing. Allele origin: germline.

Labcorp Genetics (formerly Invitae), Labcorp
Classification: Uncertain significance for Combined immunodeficiency due to LRBA deficiency. Last evaluated: 2022-07-11. Review status: criteria provided, single submitter. Criteria: Invitae Variant Classification Sherloc (09022015). Collection method: clinical testing. Allele origin: germline.
Comment: In summary, the available evidence is currently insufficient to determine the role of this variant in disease. Therefore, it has been classified as a Variant of Uncertain Significance. Algorithms developed to predict the effect of missense changes on protein structure and function are either unavailable or do not agree on the potential impact of this missense change (SIFT: "Tolerated"; PolyPhen-2: "Probably Damaging"; Align-GVGD: "Class C0"). ClinVar contains an entry for this variant (Variation ID: 1481433). This variant has not been reported in the literature in individuals affected with LRBA-related conditions. This variant is not present in population databases (gnomAD no frequency). This sequence change replaces histidine, which is basic and polar, with arginine, which is basic and polar, at codon 619 of the LRBA protein (p.His619Arg).